The following is an entry in ClinVar:

NM_005633.4(SOS1):c.1491A>G (p.Arg497=)

Gene: SOS1 (SOS Ras/Rac guanine nucleotide exchange factor 1; minus strand). Cytogenetic location: 2p22.1.
Variant type: single nucleotide variant.
Coding change: c.1491A>G on transcript NM_005633.4 (MANE Select); coding-DNA position 1491, A replaced by G.
Protein change: p.Arg497=; no amino-acid change (arginine 497 retained).
Molecular consequence: synonymous variant.
Genome position (GRCh38, 1-based): chr2:39,022,937, T>C on the plus strand (A>G on the coding strand, the complement: SOS1 is on the minus strand). VCF-style: chr2-39022937-T-C. GRCh37 (hg19) VCF-style: chr2-39250078-T-C.
Other names: c.1470A>G, p.Arg490= (NM_001382394.1); c.1491A>G, p.Arg497= (NM_001382395.1).
Identifiers: ClinVar variation 516683 (VCV000516683.3), dbSNP rs1432437086, ClinGen allele CA425866773.

ClinVar aggregate classification (germline): Likely benign. Review status: criteria provided, multiple submitters, no conflicts (2 of 4 stars). 2 submissions from 2 submitters: Likely benign (2). Last evaluated 2025-01-28.

Conditions:
RASopathy. Also called: Noonan spectrum disorder; rasopathies. Identifiers: Orphanet 536391, MedGen C5555857, MONDO:0021060.

Allele frequency attached by ClinVar (database versions not stated): gnomAD below 0.00001 and 0.00001; TOPMed below 0.00001.
gnomAD v4.1: 2 of 1,613,494 alleles (0.00012%); highest among the groups gnomAD compares: South Asian, 0.0011%; no homozygotes.

Submissions (2):

Labcorp Genetics (formerly Invitae), Labcorp
Classification: Likely benign for RASopathy. Last evaluated: 2025-01-28. Review status: criteria provided, single submitter. Criteria: Invitae Variant Classification Sherloc (09022015). Collection method: clinical testing. Allele origin: germline.

GeneDx
Classification: Likely benign. Last evaluated: 2017-09-26. Review status: criteria provided, single submitter. Criteria: GeneDx Variant Classification (06012015). Collection method: clinical testing. Allele origin: germline. Affected: yes.
Comment: This variant is considered likely benign or benign based on one or more of the following criteria: it is a conservative change, it occurs at a poorly conserved position in the protein, it is predicted to be benign by multiple in silico algorithms, and/or has population frequency not consistent with disease.